The following is an entry in ClinVar:

ClinVar aggregate classification (germline): Uncertain significance (1 of 4 stars; one submission).

Submission:

GeneDx
Classification: Uncertain significance. Last evaluated: 2025-01-09. Review status: criteria provided, single submitter. Criteria: GeneDx Variant Classification Process June 2021. Collection method: clinical testing. Allele origin: germline. Affected: yes.
Comment: Not observed at significant frequency in large population cohorts (gnomAD); In silico analysis supports that this missense variant has a deleterious effect on protein structure/function; Has not been previously published as pathogenic or benign to our knowledge

NM_001378452.1(ITPR1):c.278A>G (p.His93Arg)

Gene: ITPR1 (inositol 1,4,5-trisphosphate receptor type 1; plus strand). Cytogenetic location: 3p26.1.
Variant type: single nucleotide variant.
Coding change: c.278A>G on transcript NM_001378452.1 (MANE Select); coding-DNA position 278, A replaced by G.
Protein change: p.His93Arg; replaces histidine 93 with arginine.
Molecular consequence: missense variant.
Genome position (GRCh38, 1-based): chr3:4,627,877, A>G. VCF-style: chr3-4627877-A-G. GRCh37 (hg19) VCF-style: chr3-4669561-A-G.
Other names: c.278A>G, p.His93Arg (NM_001099952.4, NM_001168272.2, NM_002222.7); short protein forms H93R.
Identifiers: ClinVar variation 4057090 (VCV004057090.1).
Genomic context (GRCh38, chr3:4,627,877, plus strand): 5'-GGAAAGCCGCTAAGCCTGGGGCCAACAGCACCACAGACGCAGTGCTACTCAACAAACTGC[A>G]CGTACGTATTGCCATGGGGCTGTCGATGGGGCAGTAGTGAGTGGCTGCCTTGGTGGTATC-3'
Protein context (NP_001365381.1, residues 83-103): TTDAVLLNKL[His93Arg]HAADLEKKQN